The following is an entry in ClinVar:

NM_003597.5(KLF11):c.1390A>G (p.Met464Val)

Gene: KLF11 (KLF transcription factor 11; plus strand). Cytogenetic location: 2p25.1.
Variant type: single nucleotide variant.
Coding change: c.1390A>G on transcript NM_003597.5 (MANE Select); coding-DNA position 1390, A replaced by G.
Protein change: p.Met464Val; replaces methionine 464 with valine.
Molecular consequence: missense variant.
Genome position (GRCh38, 1-based): chr2:10,052,358, A>G. VCF-style: chr2-10052358-A-G. GRCh37 (hg19) VCF-style: chr2-10192485-A-G.
Other names: c.1339A>G, p.Met447Val (NM_001177716.2, NM_001177718.2); short protein forms M464V, M447V.
Identifiers: ClinVar variation 1966650 (VCV001966650.5), dbSNP rs2527723696, ClinGen allele CA345805320.
Genomic context (GRCh38, chr2:10,052,358, plus strand): 5'-CACCGCAGAACTCACACAGGGGAGAAGAAGTTTGTGTGCCCGGTGTGTGACCGACGTTTC[A>G]TGCGCAGTGACCACCTGACGAAGCATGCCCGGCGCCACATGACGACCAAGAAGATCCCAG-3'
Protein context (NP_003588.1, residues 454-474): FVCPVCDRRF[Met464Val]RSDHLTKHAR

ClinVar aggregate classification (germline): Uncertain significance (1 of 4 stars; one submission).

Submission:

Labcorp Genetics (formerly Invitae), Labcorp
Classification: Uncertain significance. Last evaluated: 2022-09-16. Review status: criteria provided, single submitter. Criteria: Invitae Variant Classification Sherloc (09022015). Collection method: clinical testing. Allele origin: germline.
Comment: This sequence change replaces methionine, which is neutral and non-polar, with valine, which is neutral and non-polar, at codon 464 of the KLF11 protein (p.Met464Val). This variant is not present in population databases (gnomAD no frequency). This variant has not been reported in the literature in individuals affected with KLF11-related conditions. Algorithms developed to predict the effect of missense changes on protein structure and function are either unavailable or do not agree on the potential impact of this missense change (SIFT: "Deleterious"; PolyPhen-2: "Probably Damaging"; Align-GVGD: "Class C15"). In summary, the available evidence is currently insufficient to determine the role of this variant in disease. Therefore, it has been classified as a Variant of Uncertain Significance.